The following is an entry in ClinVar:

NM_021961.6(TEAD1):c.267+9A>G

Gene: TEAD1 (TEA domain transcription factor 1; plus strand). Cytogenetic location: 11p15.3.
Variant type: single nucleotide variant.
Coding change: c.267+9A>G on transcript NM_021961.6 (MANE Select); 9 bases into the intron after coding-DNA position 267, A replaced by G.
Molecular consequence: intron variant.
Genome position (GRCh38, 1-based): chr11:12,862,323, A>G. VCF-style: chr11-12862323-A-G. GRCh37 (hg19) VCF-style: chr11-12883870-A-G.
Other names: c.267+9A>G (NM_021961.5).
Identifiers: ClinVar variation 1167743 (VCV001167743.12), dbSNP rs188094715, ClinGen allele CA5891502.

ClinVar aggregate classification (germline): Benign/Likely benign. Review status: criteria provided, multiple submitters, no conflicts (2 of 4 stars). 3 submissions from 3 submitters: Benign (1); Likely benign (1). 1 of the submissions does not count toward it. Last evaluated 2025-12-16.

Conditions:
TEAD1-related disorder. Also called: TEAD1-related condition.

Allele frequency attached by ClinVar (database versions not stated): ESP Exome Variant Server 0.00015; 1000 Genomes Project 30x 0.00016; TOPMed 0.00019; 1000 Genomes Project 0.00020; gnomAD 0.00027; gnomAD exomes 0.00039; ExAC 0.00052.
gnomAD v4.1: 472 of 1,613,526 alleles (0.029%); highest among the groups gnomAD compares: Non-Finnish European, 0.03%; no homozygotes.

Submissions (3):

Labcorp Genetics (formerly Invitae), Labcorp
Classification: Benign. Last evaluated: 2025-12-16. Review status: criteria provided, single submitter. Criteria: Invitae Variant Classification Sherloc (09022015). Collection method: clinical testing. Allele origin: germline.

Blueprint Genetics
Classification: Likely benign. Last evaluated: 2024-11-11. Review status: criteria provided, single submitter. Criteria: ACMG Guidelines, 2015. Collection method: clinical testing. Allele origin: germline.

PreventionGenetics, part of Exact Sciences
Classification: Likely benign for TEAD1-related condition. Last evaluated: 2019-03-20. Review status: no assertion criteria provided. Collection method: clinical testing. Allele origin: germline. Not counted in ClinVar's aggregate classification.
Comment: This variant is classified as likely benign based on ACMG/AMP sequence variant interpretation guidelines (Richards et al. 2015 PMID: 25741868, with internal and published modifications).